The following is an entry in ClinVar:

NM_052867.4(NALCN):c.2090T>C (p.Ile697Thr)

Gene: NALCN (sodium leak channel, non-selective; minus strand). Cytogenetic location: 13q33.1.
Variant type: single nucleotide variant.
Coding change: c.2090T>C on transcript NM_052867.4 (MANE Select); coding-DNA position 2090, T replaced by C.
Protein change: p.Ile697Thr; replaces isoleucine 697 with threonine.
Molecular consequence: missense variant.
Genome position (GRCh38, 1-based): chr13:101,143,108, A>G on the plus strand (T>C on the coding strand, the complement: NALCN is on the minus strand). VCF-style: chr13-101143108-A-G. GRCh37 (hg19) VCF-style: chr13-101795459-A-G.
Other names: c.2090T>C, p.Ile697Thr (NM_001350748.2, NM_001350749.2); c.2003T>C, p.Ile668Thr (NM_001350750.2, NM_001350751.2); short protein forms I668T, I697T.
Identifiers: ClinVar variation 1704838 (VCV001704838.2), dbSNP rs779922112, ClinGen allele CA7035979.

ClinVar aggregate classification (germline): Uncertain significance (1 of 4 stars; one submission).

Allele frequency attached by ClinVar (database versions not stated): gnomAD exomes below 0.00001; ExAC 0.00001.
gnomAD v4.1: 1 of 1,614,148 alleles (0.000062%); highest among the groups gnomAD compares: South Asian, 0.0011%; no homozygotes.

Submission:

GeneDx
Classification: Uncertain significance. Last evaluated: 2022-03-08. Review status: criteria provided, single submitter. Criteria: GeneDx Variant Classification Process June 2021. Collection method: clinical testing. Allele origin: germline. Affected: yes.
Comment: In silico analysis supports that this missense variant does not alter protein structure/function; Has not been previously published as pathogenic or benign to our knowledge